The following is an entry in ClinVar:

ClinVar aggregate classification (germline): Uncertain significance (1 of 4 stars; one submission).

Submission:

GeneDx
Classification: Uncertain significance. Last evaluated: 2023-04-14. Review status: criteria provided, single submitter. Criteria: GeneDx Variant Classification Process June 2021. Collection method: clinical testing. Allele origin: germline. Affected: yes.
Comment: Not observed at significant frequency in large population cohorts (gnomAD); Missense variants in this gene are often considered pathogenic (HGMD); In silico analysis supports that this missense variant has a deleterious effect on protein structure/function; Has not been previously published as pathogenic or benign to our knowledge; This variant is associated with the following publications: (PMID: 24860126)

NM_178012.5(TUBB2B):c.656C>T (p.Thr219Ile)

Gene: TUBB2B (tubulin beta 2B class IIb; minus strand). Cytogenetic location: 6p25.2.
Variant type: single nucleotide variant.
Coding change: c.656C>T on transcript NM_178012.5 (MANE Select); coding-DNA position 656, C replaced by T.
Protein change: p.Thr219Ile; replaces threonine 219 with isoleucine.
Molecular consequence: missense variant.
Genome position (GRCh38, 1-based): chr6:3,225,433, G>A on the plus strand (C>T on the coding strand, the complement: TUBB2B is on the minus strand). VCF-style: chr6-3225433-G-A. GRCh37 (hg19) VCF-style: chr6-3225667-G-A.
Other names: short protein forms T219I.
Identifiers: ClinVar variation 2663467 (VCV002663467.1), dbSNP rs2533617455, ClinGen allele CA362587547.